The following is an entry in ClinVar:

NM_000539.3(RHO):c.483G>A (p.Trp161Ter)

Gene: RHO (rhodopsin; plus strand). Cytogenetic location: 3q22.1.
Variant type: single nucleotide variant.
Coding change: c.483G>A on transcript NM_000539.3 (MANE Select); coding-DNA position 483, G replaced by A.
Protein change: p.Trp161Ter; replaces tryptophan 161 with a stop codon.
Molecular consequence: nonsense.
Genome position (GRCh38, 1-based): chr3:129,530,997, G>A. VCF-style: chr3-129530997-G-A. GRCh37 (hg19) VCF-style: chr3-129249840-G-A.
Other names: short protein forms W161*.
Identifiers: ClinVar variation 4798954 (VCV004798954.1).

ClinVar aggregate classification (germline): Pathogenic (1 of 4 stars; one submission).

Submission:

Labcorp Genetics (formerly Invitae), Labcorp
Classification: Pathogenic. Last evaluated: 2025-02-01. Review status: criteria provided, single submitter. Criteria: Invitae Variant Classification Sherloc (09022015). Collection method: clinical testing. Allele origin: germline.
Comment: This sequence change creates a premature translational stop signal (p.Trp161*) in the RHO gene. It is expected to result in an absent or disrupted protein product. Loss-of-function variants in RHO are known to be pathogenic (PMID: 1303237, 21174529). This variant is not present in population databases (gnomAD no frequency). This premature translational stop signal has been observed in individual(s) with autosomal recessive retinitis pigmentosa (PMID: 21174529). For these reasons, this variant has been classified as Pathogenic.

Literature cited by the submitters: PubMed 1303237; PubMed 21174529.